The following is an entry in ClinVar:

NM_001035.3(RYR2):c.2944G>A (p.Asp982Asn)

Gene: RYR2 (ryanodine receptor 2; plus strand). Cytogenetic location: 1q43.
Variant type: single nucleotide variant.
Coding change: c.2944G>A on transcript NM_001035.3 (MANE Select); coding-DNA position 2944, G replaced by A.
Protein change: p.Asp982Asn; replaces aspartic acid 982 with asparagine.
Molecular consequence: missense variant.
Genome position (GRCh38, 1-based): chr1:237,548,468, G>A. VCF-style: chr1-237548468-G-A. GRCh37 (hg19) VCF-style: chr1-237711768-G-A.
Other names: short protein forms D982N.
Identifiers: ClinVar variation 858795 (VCV000858795.11), dbSNP rs1670048030, ClinGen allele CA345393497.
Genomic context (GRCh38, chr1:237,548,468, plus strand): 5'-ATTTCTTTGTCTCTGATTTGTAGTTACCAGCTGACAAGTGGATACAAGCCTGCCCCTATG[G>A]ACCTGAGCTTTATCAAACTCACCCCATCACAAGAAGCAATGGTGGACAAGTTGGCAGAAA-3'
Protein context (NP_001026.2, residues 972-992): LTSGYKPAPM[Asp982Asn]LSFIKLTPSQ

ClinVar aggregate classification (germline): Uncertain significance (1 of 4 stars; one submission).

Conditions:
Catecholaminergic polymorphic ventricular tachycardia 1. Also called: VENTRICULAR TACHYCARDIA, CATECHOLAMINERGIC POLYMORPHIC, 1, WITH OR WITHOUT ATRIAL DYSFUNCTION AND/OR DILATED CARDIOMYOPATHY; VENTRICULAR TACHYCARDIA, STRESS-INDUCED POLYMORPHIC 1; RYR2-Related Catecholaminergic Polymorphic Ventricular Tachycardia. Identifiers: Orphanet 3286, MedGen C1631597, MONDO:0011484, OMIM 604772.

Submission:

Labcorp Genetics (formerly Invitae), Labcorp
Classification: Uncertain significance for Catecholaminergic polymorphic ventricular tachycardia 1. Last evaluated: 2025-02-02. Review status: criteria provided, single submitter. Criteria: Invitae Variant Classification Sherloc (09022015). Collection method: clinical testing. Allele origin: germline.
Comment: This sequence change replaces aspartic acid, which is acidic and polar, with asparagine, which is neutral and polar, at codon 982 of the RYR2 protein (p.Asp982Asn). This variant is not present in population databases (gnomAD no frequency). This variant has not been reported in the literature in individuals affected with RYR2-related conditions. ClinVar contains an entry for this variant (Variation ID: 858795). Invitae Evidence Modeling of protein sequence and biophysical properties (such as structural, functional, and spatial information, amino acid conservation, physicochemical variation, residue mobility, and thermodynamic stability) indicates that this missense variant is expected to disrupt RYR2 protein function with a positive predictive value of 95%. In summary, the available evidence is currently insufficient to determine the role of this variant in disease. Therefore, it has been classified as a Variant of Uncertain Significance.